The following is an entry in ClinVar:

NM_005654.6(NR2F1):c.528_542del (p.Asp177_Gly181del)

Gene: NR2F1 (nuclear receptor subfamily 2 group F member 1; plus strand). Cytogenetic location: 5q15.
Variant type: Deletion.
Coding change: c.528_542del on transcript NM_005654.6 (MANE Select); coding-DNA positions 528 to 542, 15 bases deleted (GGACCCCCTCAACGG).
Protein change: p.Asp177_Gly181del.
Genome position (GRCh38, 1-based): chr5:93,587,981-93,587,995, GGACCCCCTCAACGG deleted; deleting any 15 consecutive bases within chr5:93,587,975-93,587,995 gives the same sequence; the c. name uses the placement nearest the transcript's 3' end. VCF-style (leftmost placement, unchanged base first): chr5-93587974-CCAACGGGGACCCCCT-C. GRCh37 (hg19) VCF-style: chr5-92923680-CCAACGGGGACCCCCT-C.
Other names: c.78_92del, p.Asp27_Gly31del (NM_001410754.1).
Identifiers: ClinVar variation 3767683 (VCV003767683.1).

ClinVar aggregate classification (germline): Uncertain significance (1 of 4 stars; one submission).

Submission:

GeneDx
Classification: Uncertain significance. Last evaluated: 2024-09-04. Review status: criteria provided, single submitter. Criteria: GeneDx Variant Classification Process June 2021. Collection method: clinical testing. Allele origin: germline. Affected: yes.
Comment: In-frame deletion of 5 amino acids in a non-repeat region; Not observed at significant frequency in large population cohorts (gnomAD); In silico analysis supports a deleterious effect on protein structure/function; Has not been previously published as pathogenic or benign to our knowledge